The following is an entry in ClinVar:

NM_000179.3(MSH6):c.3155A>C (p.Glu1052Ala)

Gene: MSH6 (mutS homolog 6; plus strand). Cytogenetic location: 2p16.3.
Variant type: single nucleotide variant.
Coding change: c.3155A>C on transcript NM_000179.3 (MANE Select); coding-DNA position 3155, A replaced by C.
Protein change: p.Glu1052Ala; replaces glutamic acid 1052 with alanine.
Molecular consequence: missense variant. On other transcripts: non-coding transcript variant (5), intron variant (2).
Genome position (GRCh38, 1-based): chr2:47,801,138, A>C. VCF-style: chr2-47801138-A-C. GRCh37 (hg19) VCF-style: chr2-48028277-A-C.
Other names: c.2249A>C, p.Glu750Ala (NM_001406811.1, NM_001406823.1, NM_001406829.1 and 6 more transcripts); c.2858A>C, p.Glu953Ala (NM_001406824.1, NM_001406825.1, NM_001406827.1 and 10 more transcripts); c.2987A>C, p.Glu996Ala (NM_001406826.1); c.1100A>C, p.Glu367Ala (NM_001407362.1); c.2308+847A>C (NM_001406803.1); c.1606+1549A>C (NM_001406817.1); c.2765A>C, p.Glu922Ala (NM_001281492.2); c.3251A>C, p.Glu1084Ala (NM_001406795.1, NM_001406802.1); and 4 more; short protein forms E1026A, E1054A, E1084A, E367A, E953A, E1052A, E750A, E877A.
Identifiers: ClinVar variation 3002583 (VCV003002583.3), dbSNP rs587781568, ClinGen allele CA346756718.

ClinVar aggregate classification (germline): Uncertain significance (1 of 4 stars; one submission).

Conditions:
Hereditary nonpolyposis colorectal neoplasms. Identifiers: MedGen C0009405, MeSH D003123.

Submission:

Labcorp Genetics (formerly Invitae), Labcorp
Classification: Uncertain significance for Hereditary nonpolyposis colorectal neoplasms. Last evaluated: 2024-02-01. Review status: criteria provided, single submitter. Criteria: Invitae Variant Classification Sherloc (09022015). Collection method: clinical testing. Allele origin: germline.
Comment: This sequence change replaces glutamic acid, which is acidic and polar, with alanine, which is neutral and non-polar, at codon 1052 of the MSH6 protein (p.Glu1052Ala). This variant is not present in population databases (gnomAD no frequency). This variant has not been reported in the literature in individuals affected with MSH6-related conditions. Advanced modeling of protein sequence and biophysical properties (such as structural, functional, and spatial information, amino acid conservation, physicochemical variation, residue mobility, and thermodynamic stability) performed at Invitae indicates that this missense variant is not expected to disrupt MSH6 protein function with a negative predictive value of 95%. In summary, the available evidence is currently insufficient to determine the role of this variant in disease. Therefore, it has been classified as a Variant of Uncertain Significance.